The following is an entry in ClinVar:

ClinVar aggregate classification (germline): Likely benign. Review status: criteria provided, multiple submitters, no conflicts (2 of 4 stars). 3 submissions from 3 submitters: Likely benign (3). Last evaluated 2026-04-01.

Allele frequency attached by ClinVar (database versions not stated): gnomAD exomes 0.00001; gnomAD 0.00003; TOPMed 0.00003; ESP Exome Variant Server 0.00008.

Submissions (3):

CeGaT Center for Human Genetics Tuebingen
Classification: Likely benign. Last evaluated: 2026-04-01. Review status: criteria provided, single submitter. Criteria: CeGaT Center For Human Genetics Tuebingen Variant Classification Criteria Version 2. Collection method: clinical testing. Allele origin: germline. Affected: yes. Observed: 1 variant allele.
Comment: MAGEL2: BP4, BP7

Labcorp Genetics (formerly Invitae), Labcorp
Classification: Likely benign. Last evaluated: 2022-04-23. Review status: criteria provided, single submitter. Criteria: Invitae Variant Classification Sherloc (09022015). Collection method: clinical testing. Allele origin: germline.

Genetic Services Laboratory, University of Chicago
Classification: Likely benign. Last evaluated: 2017-06-20. Review status: criteria provided, single submitter. Criteria: ACMG Guidelines, 2015. Collection method: clinical testing. Allele origin: germline. Affected: no.

NM_019066.5(MAGEL2):c.3273C>T (p.Asn1091=)

Gene: MAGEL2 (MAGE family member L2; minus strand). Cytogenetic location: 15q11.2.
Variant type: single nucleotide variant.
Coding change: c.3273C>T on transcript NM_019066.5 (MANE Select); coding-DNA position 3273, C replaced by T.
Protein change: p.Asn1091=; no amino-acid change (asparagine 1091 retained).
Molecular consequence: synonymous variant.
Genome position (GRCh38, 1-based): chr15:23,644,470, G>A on the plus strand (C>T on the coding strand, the complement: MAGEL2 is on the minus strand). VCF-style: chr15-23644470-G-A. GRCh37 (hg19) VCF-style: chr15-23889617-G-A.
Identifiers: ClinVar variation 435797 (VCV000435797.14), dbSNP rs369033422, ClinGen allele CA267657848.